The following is an entry in ClinVar:

ClinVar aggregate classification (germline): Likely benign. Review status: criteria provided, multiple submitters, no conflicts (2 of 4 stars). 3 submissions from 3 submitters: Likely benign (3). Last evaluated 2022-04-19.

Conditions:
Hereditary breast ovarian cancer syndrome. Also called: BRCA1- and BRCA2-Associated Hereditary Breast and Ovarian Cancer; Hereditary breast and/or ovarian cancer syndrome; Hereditary breast and ovarian cancer syndrome (HBOC); Breast and ovarian cancer; Hereditary breast and ovarian cancer; Hereditary breast and ovarian cancer syndrome. Identifiers: Orphanet 145, MedGen C0677776, MeSH D061325, MONDO:0003582. Disease mechanism: loss of function.

Allele frequency attached by ClinVar (database versions not stated): 1000 Genomes Project 30x 0.00297; 1000 Genomes Project 0.00300; gnomAD 0.00636 and 0.00718; TOPMed 0.00695; gnomAD exomes 0.00844.
gnomAD v4.1: 12,892 of 1,568,524 alleles (0.82%); highest among the groups gnomAD compares: Admixed American, 0.97%; 65 homozygotes.

Submissions (3):

National Health Laboratory Service, Universitas Academic Hospital and University of the Free State
Classification: Likely benign for Hereditary breast ovarian cancer syndrome. Last evaluated: 2022-04-19. Review status: criteria provided, single submitter. Criteria: ACMG Guidelines, 2015. Collection method: clinical testing. Allele origin: germline. Affected: yes. Observed: 2 variant alleles.

GeneDx
Classification: Likely benign. Last evaluated: 2018-06-20. Review status: criteria provided, single submitter. Criteria: GeneDx Variant Classification (06012015). Collection method: clinical testing. Allele origin: germline. Affected: yes.
Comment: This variant is considered likely benign or benign based on one or more of the following criteria: it is a conservative change, it occurs at a poorly conserved position in the protein, it is predicted to be benign by multiple in silico algorithms, and/or has population frequency not consistent with disease.

Breakthrough Genomics
Classification: Likely benign. Review status: criteria provided, single submitter. Criteria: ACMG Guidelines, 2015. Collection method: not provided. Allele origin: germline. Inheritance: Autosomal dominant inheritance. Affected: yes.

NM_000465.4(BARD1):c.1678-60T>C

Gene: BARD1 (BRCA1 associated RING domain 1; minus strand). Cytogenetic location: 2q35.
Variant type: single nucleotide variant.
Coding change: c.1678-60T>C on transcript NM_000465.4 (MANE Select); 60 bases into the intron before coding-DNA position 1678, T replaced by C.
Molecular consequence: intron variant.
Genome position (GRCh38, 1-based): chr2:214,745,914, A>G on the plus strand (T>C on the coding strand, the complement: BARD1 is on the minus strand). VCF-style: chr2-214745914-A-G. GRCh37 (hg19) VCF-style: chr2-215610638-A-G.
Other names: c.268-60T>C (NM_001282548.2); c.1621-60T>C (NM_001282543.2); c.325-60T>C (NM_001282545.2); c.365-15406T>C (NM_001282549.2).
Identifiers: ClinVar variation 676478 (VCV000676478.3), dbSNP rs4986842, ClinGen allele CA64803112.
Genomic context (GRCh38, chr2:214,745,914, plus strand): 5'-TCTGTTAATATAAAAGGAGATACCAGTGTTAAAAACATTAGACGACTAGACAAAGACATT[A>G]AACAGACTGTTACTTGATATAAGCTTGAATTTCATTACTTAGTTTACTCTAATAATTTTC-3'